The following is an entry in ClinVar:

NM_015374.3(SUN2):c.2011G>A (p.Gly671Ser)

Genes: GTPBP1 (GTP binding protein 1; plus strand), SUN2 (Sad1 and UNC84 domain containing 2; minus strand). Cytogenetic location: 22q13.1.
Variant type: single nucleotide variant.
Coding change: c.2011G>A on transcript NM_015374.3 (MANE Select); coding-DNA position 2011, G replaced by A.
Protein change: p.Gly671Ser; replaces glycine 671 with serine.
Molecular consequence: missense variant.
Genome position (GRCh38, 1-based): chr22:38,738,202, C>T on the plus strand (G>A on the coding strand, the complement: SUN2 is on the minus strand). VCF-style: chr22-38738202-C-T. GRCh37 (hg19) VCF-style: chr22-39134207-C-T.
Other names: p.Gly671Ser; c.2074G>A, p.Gly692Ser (NM_001199579.2); c.2011G>A, p.Gly671Ser (NM_001199580.2); short protein forms G671S, G692S.
Identifiers: ClinVar variation 1168063 (VCV001168063.15), dbSNP rs2072797, ClinGen allele CA10235361.

ClinVar aggregate classification (germline): Benign. Review status: criteria provided, multiple submitters, no conflicts (2 of 4 stars). 4 submissions from 4 submitters: Benign (4). Last evaluated 2026-02-01.

Conditions:
Emery-Dreifuss muscular dystrophy (EDMD). Also called: Scapuloperoneal syndrome, X-linked (formerly); Humeroperoneal neuromuscular disease, (formerly). Identifiers: Orphanet 261, MedGen C0410189, MONDO:0016830.

Allele frequency attached by ClinVar (database versions not stated): TOPMed 0.08227; ESP Exome Variant Server 0.08235; gnomAD 0.08698 and 0.08904; 1000 Genomes Project 30x 0.09151; 1000 Genomes Project 0.09505; gnomAD exomes 0.10855 and 0.11261; ExAC 0.10933.
gnomAD v4.1: 177,898 of 1,613,644 alleles (11%); highest among the groups gnomAD compares: East Asian, 16%; 10,681 homozygotes.

Submissions (4):

Labcorp Genetics (formerly Invitae), Labcorp
Classification: Benign for Emery-Dreifuss muscular dystrophy. Last evaluated: 2026-02-01. Review status: criteria provided, single submitter. Criteria: Invitae Variant Classification Sherloc (09022015). Collection method: clinical testing. Allele origin: germline.

Mayo Clinic Laboratories, Mayo Clinic
Classification: Benign. Last evaluated: 2022-12-23. Review status: criteria provided, single submitter. Criteria: ACMG Guidelines, 2015. Collection method: clinical testing. Allele origin: germline. Observed: 90 variant alleles.
Comment: BA1, BP4

GeneDx
Classification: Benign. Last evaluated: 2021-05-04. Review status: criteria provided, single submitter. Criteria: GeneDx Variant Classification Process June 2021. Collection method: clinical testing. Allele origin: germline. Affected: yes.
Comment: This variant is associated with the following publications: (PMID: 17827388)

Breakthrough Genomics
Classification: Benign. Review status: criteria provided, single submitter. Criteria: ACMG Guidelines, 2015. Collection method: not provided. Allele origin: germline. Inheritance: Unknown mechanism. Affected: yes.